The following is an entry in ClinVar:

NM_003119.4(SPG7):c.619-3C>G

Gene: SPG7 (SPG7 matrix AAA peptidase subunit, paraplegin; plus strand). Cytogenetic location: 16q24.3.
Variant type: single nucleotide variant.
Coding change: c.619-3C>G on transcript NM_003119.4 (MANE Select); 3 bases into the intron before coding-DNA position 619, C replaced by G.
Molecular consequence: intron variant.
Genome position (GRCh38, 1-based): chr16:89,526,326, C>G. VCF-style: chr16-89526326-C-G. GRCh37 (hg19) VCF-style: chr16-89592734-C-G.
Other names: c.619-3C>G (NM_001363850.1, NM_199367.3).
Identifiers: ClinVar variation 805518 (VCV000805518.9), dbSNP rs199740629, ClinGen allele CA8243726.

ClinVar aggregate classification (germline): Uncertain significance. Review status: criteria provided, multiple submitters, no conflicts (2 of 4 stars). 4 submissions from 4 submitters: Uncertain significance (4). Last evaluated 2022-07-13.

Conditions:
Hereditary spastic paraplegia 7 (SPG7). Also called: SPG7-related neurologic disorder; Autosomal recessive spastic paraplegia type 7; SPASTIC PARAPLEGIA 7, AUTOSOMAL RECESSIVE, WITH OR WITHOUT CEREBELLAR ATAXIA; Spastic paraplegia 7; Hereditary spastic paraplegia Paraplegin type. Identifiers: Orphanet 99013, MedGen C1846564, MONDO:0011803, OMIM 607259.

Allele frequency attached by ClinVar (database versions not stated): TOPMed 0.00001; ESP Exome Variant Server 0.00008.
gnomAD v4.1: 5 of 1,613,954 alleles (0.00031%); highest among the groups gnomAD compares: South Asian, 0.0022%; no homozygotes.

Submissions (4):

Labcorp Genetics (formerly Invitae), Labcorp
Classification: Uncertain significance for Hereditary spastic paraplegia 7. Last evaluated: 2022-07-13. Review status: criteria provided, single submitter. Criteria: Invitae Variant Classification Sherloc (09022015). Collection method: clinical testing. Allele origin: germline.
Comment: This sequence change falls in intron 4 of the SPG7 gene. It does not directly change the encoded amino acid sequence of the SPG7 protein. It affects a nucleotide within the consensus splice site. This variant is present in population databases (rs199740629, gnomAD 0.003%). This variant has not been reported in the literature in individuals affected with SPG7-related conditions. ClinVar contains an entry for this variant (Variation ID: 805518). Variants that disrupt the consensus splice site are a relatively common cause of aberrant splicing (PMID: 17576681, 9536098). Algorithms developed to predict the effect of sequence changes on RNA splicing suggest that this variant may disrupt the consensus splice site. In summary, the available evidence is currently insufficient to determine the role of this variant in disease. Therefore, it has been classified as a Variant of Uncertain Significance.

Department of Pathology and Laboratory Medicine, Sinai Health System
Classification: Uncertain significance for hereditary spastic paraplegia 7. Last evaluated: 2021-07-30. Review status: criteria provided, single submitter. Criteria: ACMG Guidelines, 2015. Collection method: research. Allele origin: germline.

Revvity Omics, Revvity
Classification: Uncertain significance for Hereditary spastic paraplegia 7. Last evaluated: 2020-11-10. Review status: criteria provided, single submitter. Criteria: ACMG Guidelines, 2015. Collection method: clinical testing. Allele origin: germline.

Athena Diagnostics
Classification: Uncertain significance. Last evaluated: 2018-10-29. Review status: criteria provided, single submitter. Criteria: Athena Diagnostics Criteria. Collection method: clinical testing. Allele origin: germline.

Literature cited by the submitters: PubMed 17576681 (cited by Labcorp Genetics (formerly Invitae), Labcorp); PubMed 9536098 (cited by Labcorp Genetics (formerly Invitae), Labcorp).